The following is an entry in ClinVar:

ClinVar aggregate classification (germline): Uncertain significance (1 of 4 stars; one submission).

Allele frequency attached by ClinVar (database versions not stated): TOPMed below 0.00001; gnomAD 0.00001; gnomAD exomes 0.00001 and 0.00002; ExAC 0.00002; ESP Exome Variant Server 0.00008.

Submission:

Labcorp Genetics (formerly Invitae), Labcorp
Classification: Uncertain significance. Last evaluated: 2022-02-27. Review status: criteria provided, single submitter. Criteria: Invitae Variant Classification Sherloc (09022015). Collection method: clinical testing. Allele origin: germline.
Comment: This sequence change replaces serine, which is neutral and polar, with threonine, which is neutral and polar, at codon 785 of the MCM3AP protein (p.Ser785Thr). This variant is present in population databases (rs373365607, gnomAD 0.004%). This variant has not been reported in the literature in individuals affected with MCM3AP-related conditions. Algorithms developed to predict the effect of missense changes on protein structure and function (SIFT, PolyPhen-2, Align-GVGD) all suggest that this variant is likely to be disruptive. In summary, the available evidence is currently insufficient to determine the role of this variant in disease. Therefore, it has been classified as a Variant of Uncertain Significance.

NM_003906.5(MCM3AP):c.2354G>C (p.Ser785Thr)

Gene: MCM3AP (minichromosome maintenance complex component 3 associated protein; minus strand). Cytogenetic location: 21q22.3.
Variant type: single nucleotide variant.
Coding change: c.2354G>C on transcript NM_003906.5 (MANE Select); coding-DNA position 2354, G replaced by C.
Protein change: p.Ser785Thr; replaces serine 785 with threonine.
Molecular consequence: missense variant.
Genome position (GRCh38, 1-based): chr21:46,272,672, C>G on the plus strand (G>C on the coding strand, the complement: MCM3AP is on the minus strand). VCF-style: chr21-46272672-C-G. GRCh37 (hg19) VCF-style: chr21-47692586-C-G.
Other names: short protein forms S785T.
Identifiers: ClinVar variation 1485622 (VCV001485622.5), dbSNP rs373365607, ClinGen allele CA10076832.